The following is an entry in ClinVar:

ClinVar aggregate classification (germline): Uncertain significance (1 of 4 stars; one submission).

Conditions:
Intellectual developmental disorder, autosomal dominant 6, with or without seizures. Also called: GRIN2B-related developmental delay, intellectual disability and autism spectrum disorder; Intellectual disability, autosomal dominant 6. Identifiers: Orphanet 589547, MedGen C3151411, MONDO:0013509, OMIM 613970.
Developmental and epileptic encephalopathy, 27 (DEE27). Also called: Epileptic encephalopathy, early infantile, 27; GRIN2B-Related Neurodevelopmental Disorder. Identifiers: Orphanet 3451, MedGen C4015316, MONDO:0014505, OMIM 616139.

Submission:

Labcorp Genetics (formerly Invitae), Labcorp
Classification: Uncertain significance for Developmental and epileptic encephalopathy, 27; Intellectual developmental disorder, autosomal dominant 6, with or without seizures. Last evaluated: 2023-09-03. Review status: criteria provided, single submitter. Criteria: Invitae Variant Classification Sherloc (09022015). Collection method: clinical testing. Allele origin: germline.
Comment: Advanced modeling of protein sequence and biophysical properties (such as structural, functional, and spatial information, amino acid conservation, physicochemical variation, residue mobility, and thermodynamic stability) has been performed at Invitae for this missense variant, however the output from this modeling did not meet the statistical confidence thresholds required to predict the impact of this variant on GRIN2B protein function. In summary, the available evidence is currently insufficient to determine the role of this variant in disease. Therefore, it has been classified as a Variant of Uncertain Significance. This variant has not been reported in the literature in individuals affected with GRIN2B-related conditions. This sequence change replaces leucine, which is neutral and non-polar, with proline, which is neutral and non-polar, at codon 1035 of the GRIN2B protein (p.Leu1035Pro). This variant is not present in population databases (gnomAD no frequency).

NM_000834.5(GRIN2B):c.3104T>C (p.Leu1035Pro)

Gene: GRIN2B (glutamate ionotropic receptor NMDA type subunit 2B; minus strand). Cytogenetic location: 12p13.1.
Variant type: single nucleotide variant.
Coding change: c.3104T>C on transcript NM_000834.5 (MANE Select); coding-DNA position 3104, T replaced by C.
Protein change: p.Leu1035Pro; replaces leucine 1035 with proline.
Molecular consequence: missense variant.
Genome position (GRCh38, 1-based): chr12:13,564,134, A>G on the plus strand (T>C on the coding strand, the complement: GRIN2B is on the minus strand). VCF-style: chr12-13564134-A-G. GRCh37 (hg19) VCF-style: chr12-13717068-A-G.
Other names: c.3104T>C, p.Leu1035Pro (NM_001413992.1); short protein forms L1035P.
Identifiers: ClinVar variation 2951535 (VCV002951535.3), dbSNP rs2497469978, ClinGen allele CA383990933.